The following is an entry in ClinVar:

NM_004933.3(CDH15):c.520G>T (p.Ala174Ser)

Gene: CDH15 (cadherin 15; plus strand). Cytogenetic location: 16q24.3.
Variant type: single nucleotide variant.
Coding change: c.520G>T on transcript NM_004933.3 (MANE Select); coding-DNA position 520, G replaced by T.
Protein change: p.Ala174Ser; replaces alanine 174 with serine.
Molecular consequence: missense variant.
Genome position (GRCh38, 1-based): chr16:89,185,190, G>T. VCF-style: chr16-89185190-G-T. GRCh37 (hg19) VCF-style: chr16-89251598-G-T.
Other names: short protein forms A174S.
Identifiers: ClinVar variation 2633342 (VCV002633342.1), dbSNP rs2151600915, ClinGen allele CA397138090.
Genomic context (GRCh38, chr16:89,185,190, plus strand): 5'-GGCCCTGTGGACGTTGGCCCTCACGCCTCCCTGTGCTTCCCAGGCACCTATGTGACCAGG[G>T]CAGAGGCCACAGATGCCGACGACCCCGAGACGGACAACGCAGCGCTGCGGTTCTCCATCC-3'
Protein context (NP_004924.1, residues 164-184): GAVPGTYVTR[Ala174Ser]EATDADDPET

ClinVar aggregate classification (germline): Uncertain significance (1 of 4 stars; one submission).

Conditions:
CDH15-related disorder. Also called: CDH15-related condition.

Allele frequency attached by ClinVar (database versions not stated): gnomAD exomes below 0.00001.
gnomAD v4.1: 1 of 1,602,250 alleles (0.000062%); highest among the groups gnomAD compares: Non-Finnish European, 0.000085%; no homozygotes.

Submission:

PreventionGenetics, part of Exact Sciences
Classification: Uncertain significance for CDH15-related condition. Last evaluated: 2023-05-22. Review status: criteria provided, single submitter. Criteria: ACMG Guidelines, 2015. Collection method: clinical testing. Allele origin: germline.
Comment: The CDH15 c.520G>T variant is predicted to result in the amino acid substitution p.Ala174Ser. To our knowledge, this variant has not been reported in the literature or in a large population database, indicating this variant is rare. At this time, the clinical significance of this variant is uncertain due to the absence of conclusive functional and genetic evidence.